The following is an entry in ClinVar:

NM_006206.6(PDGFRA):c.1262T>C (p.Val421Ala)

Gene: PDGFRA (platelet derived growth factor receptor alpha; plus strand). Cytogenetic location: 4q12.
Variant type: single nucleotide variant.
Coding change: c.1262T>C on transcript NM_006206.6 (MANE Select); coding-DNA position 1262, T replaced by C.
Protein change: p.Val421Ala; replaces valine 421 with alanine.
Molecular consequence: missense variant.
Genome position (GRCh38, 1-based): chr4:54,272,418, T>C. VCF-style: chr4-54272418-T-C. GRCh37 (hg19) VCF-style: chr4-55138585-T-C.
Other names: c.1262T>C, p.Val421Ala (NM_001347827.2, NM_001347829.2); c.1337T>C, p.Val446Ala (NM_001347828.2); c.1301T>C, p.Val434Ala (NM_001347830.2); short protein forms V421A, V446A, V434A.
Identifiers: ClinVar variation 5026416 (VCV005026416.1).

ClinVar aggregate classification (germline): Uncertain significance (1 of 4 stars; one submission).

Conditions:
Hereditary cancer-predisposing syndrome. Also called: Neoplastic Syndromes, Hereditary; Tumor predisposition; Hereditary neoplastic syndrome; Hereditary Cancer Syndrome. Identifiers: Orphanet 140162, MedGen C0027672, MeSH D009386, MONDO:0015356.

Submission:

Ambry Genetics
Classification: Uncertain significance for Hereditary cancer-predisposing syndrome. Last evaluated: 2026-07-06. Review status: criteria provided, single submitter. Criteria: Ambry Variant Classification Scheme 2023. Collection method: clinical testing. Allele origin: germline.
Comment: The p.V421A variant (also known as c.1262T>C), located in coding exon 8 of the PDGFRA gene, results from a T to C substitution at nucleotide position 1262. The valine at codon 421 is replaced by alanine, an amino acid with similar properties. This amino acid position is conserved. In addition, this alteration is predicted to be tolerated by in silico analysis. Based on the available evidence, the clinical significance of this variant remains unclear.